The following is an entry in ClinVar:

NM_001267550.2(TTN):c.9829C>T (p.Gln3277Ter)

Gene: TTN (titin; minus strand). Cytogenetic location: 2q31.2.
Variant type: single nucleotide variant.
Coding change: c.9829C>T on transcript NM_001267550.2 (MANE Select); coding-DNA position 9829, C replaced by T.
Protein change: p.Gln3277Ter; replaces glutamine 3277 with a stop codon.
Molecular consequence: nonsense.
Genome position (GRCh38, 1-based): chr2:178,764,686, G>A on the plus strand (C>T on the coding strand, the complement: TTN is on the minus strand). VCF-style: chr2-178764686-G-A. GRCh37 (hg19) VCF-style: chr2-179629413-G-A.
Other names: c.9829C>T, p.Gln3277Ter (NM_001256850.1, NM_133378.4, NM_133379.5); c.9691C>T, p.Gln3231Ter (NM_003319.4, NM_133432.3, NM_133437.4); short protein forms Q3231*, Q3277*.
Identifiers: ClinVar variation 1767805 (VCV001767805.6), dbSNP rs2532188334, ClinGen allele CA349674303.

ClinVar aggregate classification (germline): Likely pathogenic. Review status: criteria provided, multiple submitters, no conflicts (2 of 4 stars). 2 submissions from 2 submitters: Likely pathogenic (2). Last evaluated 2026-03-06.

Conditions:
Cardiovascular phenotype. Identifiers: MedGen CN230736.
Dilated cardiomyopathy 1G (CMD1G). Identifiers: Orphanet 154, MedGen C1858763, MONDO:0011400, OMIM 604145.
Autosomal recessive limb-girdle muscular dystrophy type 2J (LGMDR10). Also called: Limb-girdle muscular dystrophy, type 2J; MUSCULAR DYSTROPHY, LIMB-GIRDLE, AUTOSOMAL RECESSIVE 10. Identifiers: Orphanet 140922, MedGen C1837342, MONDO:0012127, OMIM 608807.

Submissions (2):

Ambry Genetics
Classification: Likely pathogenic for Cardiovascular phenotype. Last evaluated: 2026-03-06. Review status: criteria provided, single submitter. Criteria: Ambry Variant Classification Scheme 2023. Collection method: clinical testing. Allele origin: germline.
Comment: The p.Q3231* variant (also known as c.9691C>T), located in coding exon 40 of the TTN gene, results from a C to T substitution at nucleotide position 9691. This changes the amino acid from a glutamine to a stop codon within coding exon 40. This exon is located in the I-band region of the N2-B isoform of the titin protein and is constitutively expressed in TTN transcripts (percent spliced in or PSI 100%). This variant is considered to be rare based on population cohorts in the Genome Aggregation Database (gnomAD). This variant is expected to result in loss of function by premature protein truncation or nonsense-mediated mRNA decay. While truncating variants in TTN are present in 1-3% of the general population, truncating variants in the A-band are the most common cause of dilated cardiomyopathy (Herman DS et al. N. Engl. J. Med., 2012 Feb;366:619-28; Roberts AM et al. Sci Transl Med, 2015 Jan;7:270ra6). TTN truncating variants encoded in constitutive exons (PSI >90%) have been found to be significantly associated with DCM regardless of their position in titin (Schafer S et al. Nat. Genet., 2017 01;49:46-53; Akhtar MM et al. Circ Heart Fail, 2020 Oct;13:e006832; Massier M et al. Clin Genet, 2025 Jan). Based on the majority of available evidence to date, this variant is likely to be pathogenic.

Labcorp Genetics (formerly Invitae), Labcorp
Classification: Likely pathogenic for Dilated cardiomyopathy 1G; Autosomal recessive limb-girdle muscular dystrophy type 2J. Last evaluated: 2024-10-18. Review status: criteria provided, single submitter. Criteria: Invitae Variant Classification Sherloc (09022015). Collection method: clinical testing. Allele origin: germline.
Comment: This sequence change creates a premature translational stop signal (p.Gln3277*) in the TTN gene. While this is not anticipated to result in nonsense mediated decay, it is expected to create a truncated TTN protein. This variant is not present in population databases (gnomAD no frequency). This variant has not been reported in the literature in individuals affected with TTN-related conditions. ClinVar contains an entry for this variant (Variation ID: 1767805). This variant is located in the I band of TTN (PMID: 25589632). Truncating variants in this region have been reported in individuals affected with autosomal recessive centronuclear myopathy (PMID: 23975875, internal data). Truncating variants in this region have also been identified in individuals affected with autosomal dominant dilated cardiomyopathy and/or cardio-related conditions (PMID: 27869827, 32964742, internal data). In summary, the currently available evidence indicates that the variant is pathogenic, but additional data are needed to prove that conclusively. Therefore, this variant has been classified as Likely Pathogenic.

Literature cited by the submitters: PubMed 25589632 (cited by Labcorp Genetics (formerly Invitae), Labcorp); PubMed 23975875 (cited by Labcorp Genetics (formerly Invitae), Labcorp); PubMed 27869827 (cited by Labcorp Genetics (formerly Invitae), Labcorp); PubMed 32964742 (cited by Labcorp Genetics (formerly Invitae), Labcorp).